The following is an entry in ClinVar:

ClinVar aggregate classification (germline): Uncertain significance (1 of 4 stars; one submission).

Allele frequency attached by ClinVar (database versions not stated): gnomAD exomes below 0.00001; ExAC 0.00001.
gnomAD v4.1: 4 of 1,613,614 alleles (0.00025%); highest among the groups gnomAD compares: East Asian, 0.0022%; no homozygotes.

Submission:

Labcorp Genetics (formerly Invitae), Labcorp
Classification: Uncertain significance. Last evaluated: 2021-08-23. Review status: criteria provided, single submitter. Criteria: Invitae Variant Classification Sherloc (09022015). Collection method: clinical testing. Allele origin: germline.
Comment: This sequence change replaces asparagine with serine at codon 3186 of the SPEG protein (p.Asn3186Ser). The asparagine residue is highly conserved and there is a small physicochemical difference between asparagine and serine. This variant is present in population databases (rs778426196, ExAC 0.009%). This variant has not been reported in the literature in individuals affected with SPEG-related conditions. Algorithms developed to predict the effect of missense changes on protein structure and function are either unavailable or do not agree on the potential impact of this missense change (SIFT: "Deleterious"; PolyPhen-2: "Probably Damaging"; Align-GVGD: "Class C0"). Algorithms developed to predict the effect of sequence changes on RNA splicing suggest that this variant may create or strengthen a splice site. In summary, the available evidence is currently insufficient to determine the role of this variant in disease. Therefore, it has been classified as a Variant of Uncertain Significance.

NM_005876.5(SPEG):c.9557A>G (p.Asn3186Ser)

Genes: ASIC4-AS1 (ASIC4 antisense RNA 1; minus strand), SPEG (striated muscle enriched protein kinase; plus strand). Cytogenetic location: 2q35.
Variant type: single nucleotide variant.
Coding change: c.9557A>G on transcript NM_005876.5 (MANE Select); coding-DNA position 9557, A replaced by G.
Protein change: p.Asn3186Ser; replaces asparagine 3186 with serine.
Molecular consequence: missense variant.
Genome position (GRCh38, 1-based): chr2:219,492,206, A>G. VCF-style: chr2-219492206-A-G. GRCh37 (hg19) VCF-style: chr2-220356928-A-G.
Other names: short protein forms N3186S.
Identifiers: ClinVar variation 1377154 (VCV001377154.6), dbSNP rs778426196, ClinGen allele CA2127802.
Genomic context (GRCh38, chr2:219,492,206, plus strand): 5'-CCCAGGAAACGGAGGCTCGGATTGTGGGGGGCCGCTTTGATGCCTTCCAGCTGTACCCCA[A>G]TACATCCCAGAGCGCCACCCTCTTCTTGCGAAAGGTTCTCTCTGTACATCCCTGGTGAGT-3'
Protein context (NP_005867.3, residues 3176-3196): GRFDAFQLYP[Asn3186Ser]TSQSATLFLR